The following is an entry in ClinVar:

ClinVar aggregate classification (germline): Uncertain significance (1 of 4 stars; one submission).

Submission:

GeneDx
Classification: Uncertain significance. Last evaluated: 2022-11-28. Review status: criteria provided, single submitter. Criteria: GeneDx Variant Classification Process June 2021. Collection method: clinical testing. Allele origin: germline. Affected: yes.
Comment: Not observed at significant frequency in large population cohorts (gnomAD); Nonsense variant predicted to result in protein truncation or nonsense mediated decay in a gene or region of a gene for which loss of function is not a well-established mechanism of disease; Has not been previously published as pathogenic or benign to our knowledge

NM_014000.3(VCL):c.3184C>T (p.Gln1062Ter)

Gene: VCL (vinculin; plus strand). Cytogenetic location: 10q22.2.
Variant type: single nucleotide variant.
Coding change: c.3184C>T on transcript NM_014000.3 (MANE Select); coding-DNA position 3184, C replaced by T.
Protein change: p.Gln1062Ter; replaces glutamine 1062 with a stop codon.
Molecular consequence: nonsense.
Genome position (GRCh38, 1-based): chr10:74,114,825, C>T. VCF-style: chr10-74114825-C-T. GRCh37 (hg19) VCF-style: chr10-75874583-C-T.
Other names: c.2980C>T, p.Gln994Ter (NM_003373.4); short protein forms Q1062*, Q994*.
Identifiers: ClinVar variation 2503363 (VCV002503363.1), dbSNP rs2549237766, ClinGen allele CA377267435.